The following is an entry in ClinVar:

ClinVar aggregate classification (germline): Uncertain significance (1 of 4 stars; one submission).

Conditions:
Atrial fibrillation, familial, 7 (ATFB7). Identifiers: MedGen C2677106, MONDO:0012828, OMIM 612240.

gnomAD v4.1: 8 of 1,614,140 alleles (0.0005%); highest among the groups gnomAD compares: Non-Finnish European, 0.00068%; no homozygotes.

Submission:

Labcorp Genetics (formerly Invitae), Labcorp
Classification: Uncertain significance for Atrial fibrillation, familial, 7. Last evaluated: 2024-11-06. Review status: criteria provided, single submitter. Criteria: Invitae Variant Classification Sherloc (09022015). Collection method: clinical testing. Allele origin: germline.
Comment: This sequence change replaces alanine, which is neutral and non-polar, with threonine, which is neutral and polar, at codon 393 of the KCNA5 protein (p.Ala393Thr). This variant is present in population databases (no rsID available, gnomAD 0.007%). This variant has not been reported in the literature in individuals affected with KCNA5-related conditions. Invitae Evidence Modeling of protein sequence and biophysical properties (such as structural, functional, and spatial information, amino acid conservation, physicochemical variation, residue mobility, and thermodynamic stability) indicates that this missense variant is not expected to disrupt KCNA5 protein function with a negative predictive value of 80%. In summary, the available evidence is currently insufficient to determine the role of this variant in disease. Therefore, it has been classified as a Variant of Uncertain Significance.

NM_002234.4(KCNA5):c.1177G>A (p.Ala393Thr)

Gene: KCNA5 (potassium voltage-gated channel subfamily A member 5; plus strand). Cytogenetic location: 12p13.32.
Variant type: single nucleotide variant.
Coding change: c.1177G>A on transcript NM_002234.4 (MANE Select); coding-DNA position 1177, G replaced by A.
Protein change: p.Ala393Thr; replaces alanine 393 with threonine.
Molecular consequence: missense variant.
Genome position (GRCh38, 1-based): chr12:5,045,324, G>A. VCF-style: chr12-5045324-G-A. GRCh37 (hg19) VCF-style: chr12-5154490-G-A.
Other names: short protein forms A393T.
Identifiers: ClinVar variation 3718681 (VCV003718681.2).